The following is an entry in ClinVar:

ClinVar aggregate classification (germline): Uncertain significance (1 of 4 stars; one submission).

Conditions:
Hereditary cancer-predisposing syndrome. Also called: Hereditary Cancer Syndrome; Neoplastic Syndromes, Hereditary; Tumor predisposition; Hereditary neoplastic syndrome. Identifiers: Orphanet 140162, MedGen C0027672, MeSH D009386, MONDO:0015356.

Submission:

Ambry Genetics
Classification: Uncertain significance for Hereditary cancer-predisposing syndrome. Last evaluated: 2022-03-31. Review status: criteria provided, single submitter. Criteria: Ambry Variant Classification Scheme 2023. Collection method: clinical testing. Allele origin: germline.
Comment: The p.V166F variant (also known as c.496G>T), located in coding exon 3 of the RAD51C gene, results from a G to T substitution at nucleotide position 496. The valine at codon 166 is replaced by phenylalanine, an amino acid with highly similar properties. This amino acid position is conserved. In addition, this alteration is predicted to be tolerated by in silico analysis. Since supporting evidence is limited at this time, the clinical significance of this alteration remains unclear.

NM_058216.3(RAD51C):c.496G>T (p.Val166Phe)

Gene: RAD51C (RAD51 paralog C; plus strand). Cytogenetic location: 17q22.
Variant type: single nucleotide variant.
Coding change: c.496G>T on transcript NM_058216.3 (MANE Select); coding-DNA position 496, G replaced by T.
Protein change: p.Val166Phe; replaces valine 166 with phenylalanine.
Molecular consequence: missense variant.
Genome position (GRCh38, 1-based): chr17:58,696,784, G>T. VCF-style: chr17-58696784-G-T. GRCh37 (hg19) VCF-style: chr17-56774145-G-T.
Other names: short protein forms V166F.
Identifiers: ClinVar variation 1744461 (VCV001744461.2), dbSNP rs1598460547, ClinGen allele CA400344885.
Genomic context (GRCh38, chr17:58,696,784, plus strand): 5'-GAATGTTTTGGAGGAGTGGCAGGTGAAGCAGTTTTTATTGATACAGAGGGAAGTTTTATG[G>T]TTGATAGAGTGGTAGACCTTGCTACTGCCTGCATTCAGCACCTTCAGCTTATAGCAGAAA-3'
Protein context (NP_478123.1, residues 156-176): VFIDTEGSFM[Val166Phe]DRVVDLATAC